The following is an entry in ClinVar:

NM_014232.3(VAMP2):c.29dup (p.Ala11fs)

Genes: VAMP2 (vesicle associated membrane protein 2; minus strand), LOC130060218 (ATAC-STARR-seq lymphoblastoid silent region 8166; plus strand). Cytogenetic location: 17p13.1.
Variant type: Duplication.
Coding change: c.29dup on transcript NM_014232.3 (MANE Select); coding-DNA position 29, one base duplicated (C; older notation c.29dupC).
Protein change: p.Ala11fs; shifts the reading frame from alanine 11.
Molecular consequence: frameshift variant.
Genome position (GRCh38, 1-based): chr17:8,162,343, G duplicated on the plus strand (C on the coding strand, the reverse complement: VAMP2 is on the minus strand); the first of 7 consecutive G bases (chr17:8,162,343-8,162,349); duplicating any one gives the same sequence. VCF-style (leftmost placement, unchanged base first): chr17-8162342-A-AG. GRCh37 (hg19) VCF-style: chr17-8065660-A-AG.
Other names: c.35dup, p.Ala13fs (NM_001330125.1); short protein forms A11fs, A13fs.
Identifiers: ClinVar variation 4293734 (VCV004293734.1).
Genomic context (GRCh38, chr17:8,162,342, plus strand): 5'-CCTGTTACTGGTGAGGTTTGGAGGGGGTGCAGGGGGACCACCCTCCCCAGCCGGGGCAGC[A>AG]GGGGGGGCCGTGGCAGCGGTAGCAGACCTGAGGAGCAGGGACGGATTAAGACCCAGGGCC-3'

ClinVar aggregate classification (germline): Likely pathogenic (1 of 4 stars; one submission).

Conditions:
Neurodevelopmental disorder with hypotonia and autistic features with or without hyperkinetic movements. Identifiers: MedGen C5231491, MONDO:0032900, OMIM 618760.

Submission:

3billion
Classification: Likely pathogenic for Neurodevelopmental disorder with hypotonia and autistic features with or without hyperkinetic movements. Last evaluated: 2024-06-26. Review status: criteria provided, single submitter. Criteria: ACMG Guidelines, 2015. Collection method: clinical testing. Allele origin: germline. Affected: yes.
Comment: The variant is observed at an extremely low frequency in the gnomAD v4.0.0 dataset (total allele frequency: <0.001%). Predicted Consequence/Location: Frameshift: predicted to result in a loss or disruption of normal protein function through nonsense-mediated decay (NMD) or protein truncation. Multiple pathogenic variants are reported downstream of the variant. Therefore, this variant is classified as Likely pathogenic according to the recommendation of ACMG/AMP guideline.